The following is an entry in ClinVar:

NM_000530.8(MPZ):c.562del (p.Ala188fs)

Gene: MPZ (myelin protein zero; minus strand). Cytogenetic location: 1q23.3.
Variant type: Deletion.
Coding change: c.562del on transcript NM_000530.8 (MANE Select); coding-DNA position 562, one base deleted (G; older notation c.562delG).
Protein change: p.Ala188fs; shifts the reading frame from alanine 188.
Molecular consequence: frameshift variant.
Genome position (GRCh38, 1-based): chr1:161,306,351, C deleted on the plus strand (G on the coding strand, the reverse complement: MPZ is on the minus strand); the first of 2 consecutive C bases (chr1:161,306,351-161,306,352); deleting either gives the same sequence. VCF-style (leftmost placement, unchanged base first): chr1-161306350-GC-G. GRCh37 (hg19) VCF-style: chr1-161276140-GC-G.
Other names: c.562del, p.Ala188fs (NM_001315491.2); short protein forms A188fs.
Identifiers: ClinVar variation 3062258 (VCV003062258.1), dbSNP rs2526235696, ClinGen allele CA2740090272.

ClinVar aggregate classification (germline): Likely pathogenic (1 of 4 stars; one submission).

Conditions:
Dejerine-Sottas disease. Also called: DEJERINE-SOTTAS NEUROPATHY; HEREDITARY MOTOR AND SENSORY NEUROPATHY TYPE III; Hereditary motor and sensory neuropathy 3; HMSN Type III; Charcot-Marie-Tooth disease type 3. Identifiers: Orphanet 64748, MedGen C0011195, MONDO:0007790, OMIM 145900.

Submission:

Molecular Genetics Department, Kulakov National Medical Research Center for Obstetrics, Gynecology and Perinatology
Classification: Likely pathogenic for Dejerine-Sottas disease. Review status: criteria provided, single submitter. Criteria: ACMG Guidelines, 2015. Collection method: clinical testing. Allele origin: de novo. Affected: yes.
Comment: A previously undescribed nucleotide variant creates a frameshift p.Ala188ArgfsTer64 in the MPZ gene. Loss-of-function variants are reported in patients with Charcot-Marie-Tooth disease, dominant intermediate D, 607791, Charcot-Marie-Tooth disease, type 1B, 118200, Charcot-Marie-Tooth disease, type 2I, 607677, Charcot-Marie-Tooth disease, type 2J, 607736, Dejerine-Sottas disease, 145900, Hypomyelinating neuropathy, congenital, 2, 618184, Roussy-Levy syndrome, 180800. The variant is not present in population database (gnomAD no frequency). In summary, the currently available evidence indicates that the variant is pathogenic, but additional data are needed to prove that conclusively. Therefore, this variant has been classified as likely pathogenic.